The following is an entry in ClinVar:

NM_000518.5(HBB):c.316-171_316-170del

Genes: HBB (hemoglobin subunit beta; minus strand), LOC107133510 (origin of replication at HBB; plus strand), LOC110006319 (beta-globin gene 3' regulatory region; plus strand). Cytogenetic location: 11p15.4.
Variant type: Microsatellite.
Coding change: c.316-171_316-170del on transcript NM_000518.5 (MANE Select); 171 bases into the intron before coding-DNA position 316 through 170 bases into the intron before coding-DNA position 316, 2 bases deleted (AT; older notation c.316-171_316-170delAT).
Molecular consequence: intron variant.
Genome position (GRCh38, 1-based): chr11:5,225,896-5,225,897, AT deleted on the plus strand (AT on the coding strand, the reverse complement: HBB is on the minus strand); deleting any 2 consecutive bases within chr11:5,225,896-5,225,899 gives the same sequence; the c. name uses the placement nearest the transcript's 3' end. VCF-style (leftmost placement, unchanged base first): chr11-5225895-AAT-A. GRCh37 (hg19) VCF-style: chr11-5247125-AAT-A.
Other names: c.316-171_316-170delAT (NM_000518.4).
Identifiers: ClinVar variation 633259 (VCV000633259.1), dbSNP rs1564874493, ClinGen allele CA913190231.

ClinVar aggregate classification (germline): Uncertain significance (1 of 4 stars; one submission).

Submission:

Women's Health and Genetics/Laboratory Corporation of America, LabCorp
Classification: Uncertain significance. Last evaluated: 2018-08-29. Review status: criteria provided, single submitter. Criteria: LabCorp Variant Classification Summary - May 2015. Collection method: clinical testing. Allele origin: germline.
Comment: Variant summary: HBB c.316-171_316-170delAT is located at a position not widely known to affect splicing. 5/5 computational tools predict no significant impact on normal splicing. However, these predictions have yet to be confirmed by functional studies. The variant was absent in 30982 control chromosomes. The available data on variant occurrences in the general population are insufficient to allow any conclusion about variant significance. To our knowledge, no occurrence of c.316-171_316-170delAT in individuals affected with Hemoglobinopathy and no experimental evidence demonstrating its impact on protein function have been reported. No clinical diagnostic laboratories have submitted clinical-significance assessments for this variant to ClinVar after 2014. Based on the evidence outlined above, the variant was classified as uncertain significance.